The following is an entry in ClinVar:

ClinVar aggregate classification (germline): Likely benign. Review status: criteria provided, multiple submitters, no conflicts (2 of 4 stars). 2 submissions from 2 submitters: Likely benign (2). Last evaluated 2025-12-10.

Allele frequency attached by ClinVar (database versions not stated): TOPMed 0.00001; ExAC 0.00002; gnomAD exomes 0.00002.

Submissions (2):

Labcorp Genetics (formerly Invitae), Labcorp
Classification: Likely benign. Last evaluated: 2025-12-10. Review status: criteria provided, single submitter. Criteria: Invitae Variant Classification Sherloc (09022015). Collection method: clinical testing. Allele origin: germline.

CeGaT Center for Human Genetics Tuebingen
Classification: Likely benign. Last evaluated: 2025-06-01. Review status: criteria provided, single submitter. Criteria: CeGaT Center For Human Genetics Tuebingen Variant Classification Criteria Version 2. Collection method: clinical testing. Allele origin: germline. Affected: yes. Observed: 1 variant allele.
Comment: RIPK1: BP4, BP7

NM_001354930.2(RIPK1):c.1239C>T (p.Arg413=)

Gene: RIPK1 (receptor interacting serine/threonine kinase 1; plus strand). Cytogenetic location: 6p25.2.
Variant type: single nucleotide variant.
Coding change: c.1239C>T on transcript NM_001354930.2 (MANE Select); coding-DNA position 1239, C replaced by T.
Protein change: p.Arg413=; no amino-acid change (arginine 413 retained).
Molecular consequence: synonymous variant.
Genome position (GRCh38, 1-based): chr6:3,105,714, C>T. VCF-style: chr6-3105714-C-T. GRCh37 (hg19) VCF-style: chr6-3105948-C-T.
Other names: c.1101C>T, p.Arg367= (NM_001354931.2); c.750C>T, p.Arg250= (NM_001354932.2, NM_001354933.2, NM_001354934.2 and 1 more transcripts); c.1239C>T, p.Arg413= (NM_003804.6).
Identifiers: ClinVar variation 1982609 (VCV001982609.12), dbSNP rs772082463, ClinGen allele CA3618401.